The following is an entry in ClinVar:

ClinVar aggregate classification (germline): Conflicting classifications of pathogenicity. Review status: criteria provided, conflicting classifications (1 of 4 stars). 6 submissions from 6 submitters: Uncertain significance (1); Likely benign (3). 2 of the submissions do not count toward it. Last evaluated 2026-08-01.

Conditions:
MEGF8-related Carpenter syndrome. Also called: Carpenter syndrome 2. Identifiers: Orphanet 65759, MedGen C3554247, MONDO:0013998, OMIM 614976.

Allele frequency attached by ClinVar (database versions not stated): 1000 Genomes Project 0.00080; 1000 Genomes Project 30x 0.00109; gnomAD 0.00181 and 0.00186; TOPMed 0.00197; ExAC 0.00208; ESP Exome Variant Server 0.00211; gnomAD exomes 0.00212.
gnomAD v4.1: 3,454 of 1,612,740 alleles (0.21%); highest among the groups gnomAD compares: Middle Eastern, 0.28%; 6 homozygotes.

Submissions (6):

CeGaT Center for Human Genetics Tuebingen
Classification: Likely benign. Last evaluated: 2026-08-01. Review status: criteria provided, single submitter. Criteria: CeGaT Center For Human Genetics Tuebingen Variant Classification Criteria Version 2. Collection method: clinical testing. Allele origin: germline. Affected: yes. Observed: 12 variant alleles.
Comment: MEGF8: BS2

Labcorp Genetics (formerly Invitae), Labcorp
Classification: Likely benign for MEGF8-related Carpenter syndrome. Last evaluated: 2026-01-07. Review status: criteria provided, single submitter. Criteria: Invitae Variant Classification Sherloc (09022015). Collection method: clinical testing. Allele origin: germline.

GeneDx
Classification: Uncertain significance. Last evaluated: 2025-11-10. Review status: criteria provided, single submitter. Criteria: GeneDx Variant Classification Process June 2021. Collection method: clinical testing. Allele origin: germline. Affected: yes.
Comment: In silico analysis supports that this missense variant has a deleterious effect on protein structure/function; Has not been previously published as pathogenic or benign to our knowledge

Blueprint Genetics
Classification: Likely benign. Last evaluated: 2024-11-14. Review status: criteria provided, single submitter. Criteria: ACMG Guidelines, 2015. Collection method: clinical testing. Allele origin: germline.

Clinical Genetics DNA and cytogenetics Diagnostics Lab, Erasmus MC, Erasmus Medical Center
Classification: Likely benign. Review status: no assertion criteria provided. Collection method: clinical testing. Allele origin: germline. Affected: yes. Study: VKGL Data-share Consensus. Not counted in ClinVar's aggregate classification.

Laboratory of Diagnostic Genome Analysis, Leiden University Medical Center (LUMC)
Classification: Likely benign. Review status: no assertion criteria provided. Collection method: clinical testing. Allele origin: germline. Affected: yes. Study: VKGL Data-share Consensus. Not counted in ClinVar's aggregate classification.

NM_001271938.2(MEGF8):c.8176C>T (p.Arg2726Cys)

Gene: MEGF8 (multiple EGF like domains 8; plus strand). Cytogenetic location: 19q13.2.
Variant type: single nucleotide variant.
Coding change: c.8176C>T on transcript NM_001271938.2 (MANE Select); coding-DNA position 8176, C replaced by T.
Protein change: p.Arg2726Cys; replaces arginine 2726 with cysteine.
Molecular consequence: missense variant.
Genome position (GRCh38, 1-based): chr19:42,376,413, C>T. VCF-style: chr19-42376413-C-T. GRCh37 (hg19) VCF-style: chr19-42880565-C-T.
Other names: c.7975C>T, p.Arg2659Cys (NM_001410.3); short protein forms R2659C, R2726C.
Identifiers: ClinVar variation 702404 (VCV000702404.56), dbSNP rs141224456, ClinGen allele CA9476338.